The following is an entry in ClinVar:

NM_001723.7(DST):c.7184C>A (p.Thr2395Asn)

Gene: DST (dystonin; minus strand). Cytogenetic location: 6p12.1.
Variant type: single nucleotide variant.
Coding change: c.7184C>A on transcript NM_001723.7 (MANE Plus Clinical); coding-DNA position 7184, C replaced by A.
Protein change: p.Thr2395Asn; replaces threonine 2395 with asparagine.
Molecular consequence: missense variant. On other transcripts: intron variant (10).
Genome position (GRCh38, 1-based): chr6:56,616,283, G>T on the plus strand (C>A on the coding strand, the complement: DST is on the minus strand). VCF-style: chr6-56616283-G-T. GRCh37 (hg19) VCF-style: chr6-56481081-G-T.
Other names: c.4831-1799C>A (NM_001144769.5); c.4930-1799C>A (NM_001374722.1, NM_001374736.1); c.4957-1799C>A (NM_001374734.1); c.4417-1799C>A (NM_001144770.2); c.4297-1799C>A (NM_001374730.1, NM_001386100.1, NM_183380.4 and 1 more transcripts); c.3319-1799C>A (NM_015548.5); short protein forms T2395N.
Identifiers: ClinVar variation 646579 (VCV000646579.7), dbSNP rs766230683, ClinGen allele CA3870012.

ClinVar aggregate classification (germline): Uncertain significance (1 of 4 stars; one submission).

Conditions:
Epidermolysis bullosa simplex 3, localized or generalized intermediate, with BP230 deficiency (EBS3). Also called: Epidermolysis bullosa simplex due to BP230 deficiency; Epidermolysis bullosa simplex, autosomal recessive 2. Identifiers: Orphanet 412181, MedGen C3809470, MONDO:0014180, OMIM 615425.
Hereditary sensory and autonomic neuropathy type 6. Also called: Neuropathy, hereditary sensory and autonomic, type VI; HSAN VI. Identifiers: Orphanet 314381, MedGen C3539003, MONDO:0013839, OMIM 614653.

Allele frequency attached by ClinVar (database versions not stated): ExAC 0.00001; TOPMed 0.00001.
gnomAD v4.1: 14 of 1,613,882 alleles (0.00087%); highest among the groups gnomAD compares: Non-Finnish European, 0.00085%; no homozygotes.

Submission:

Labcorp Genetics (formerly Invitae), Labcorp
Classification: Uncertain significance for Epidermolysis bullosa simplex 3, localized or generalized intermediate, with BP230 deficiency; Hereditary sensory and autonomic neuropathy type 6. Last evaluated: 2022-06-03. Review status: criteria provided, single submitter. Criteria: Invitae Variant Classification Sherloc (09022015). Collection method: clinical testing. Allele origin: germline.
Comment: ClinVar contains an entry for this variant (Variation ID: 646579). In summary, the available evidence is currently insufficient to determine the role of this variant in disease. Therefore, it has been classified as a Variant of Uncertain Significance. Algorithms developed to predict the effect of missense changes on protein structure and function are either unavailable or do not agree on the potential impact of this missense change (SIFT: "Deleterious"; PolyPhen-2: "Benign"; Align-GVGD: "Class C0"). This variant has not been reported in the literature in individuals affected with DST-related conditions. This variant is present in population databases (rs766230683, gnomAD 0.002%). This sequence change replaces threonine, which is neutral and polar, with asparagine, which is neutral and polar, at codon 2395 of the DST protein (p.Thr2395Asn).